The following is an entry in ClinVar:

NM_004946.3(DOCK2):c.1463G>A (p.Arg488His)

Gene: DOCK2 (dedicator of cytokinesis 2; plus strand). Cytogenetic location: 5q35.1.
Variant type: single nucleotide variant.
Coding change: c.1463G>A on transcript NM_004946.3 (MANE Select); coding-DNA position 1463, G replaced by A.
Protein change: p.Arg488His; replaces arginine 488 with histidine.
Molecular consequence: missense variant. On other transcripts: non-coding transcript variant (1).
Genome position (GRCh38, 1-based): chr5:169,708,248, G>A. VCF-style: chr5-169708248-G-A. GRCh37 (hg19) VCF-style: chr5-169135252-G-A.
Other names: short protein forms R488H.
Identifiers: ClinVar variation 1903756 (VCV001903756.5), dbSNP rs757403007, ClinGen allele CA3553475.

ClinVar aggregate classification (germline): Uncertain significance (1 of 4 stars; one submission).

Conditions:
DOCK2 deficiency. Also called: Immunodeficiency 40. Identifiers: Orphanet 447737, MedGen C4225328, MONDO:0014637, OMIM 616433.

Allele frequency attached by ClinVar (database versions not stated): TOPMed below 0.00001; ExAC 0.00001; gnomAD 0.00001; gnomAD exomes 0.00001.
gnomAD v4.1: 13 of 1,613,642 alleles (0.00081%); highest among the groups gnomAD compares: Non-Finnish European, 0.00093%; no homozygotes.

Submission:

Labcorp Genetics (formerly Invitae), Labcorp
Classification: Uncertain significance for DOCK2 deficiency. Last evaluated: 2024-01-22. Review status: criteria provided, single submitter. Criteria: Invitae Variant Classification Sherloc (09022015). Collection method: clinical testing. Allele origin: germline.
Comment: This sequence change replaces arginine, which is basic and polar, with histidine, which is basic and polar, at codon 488 of the DOCK2 protein (p.Arg488His). The frequency data for this variant in the population databases is considered unreliable, as metrics indicate poor data quality at this position in the gnomAD database. This variant has not been reported in the literature in individuals affected with DOCK2-related conditions. ClinVar contains an entry for this variant (Variation ID: 1903756). An algorithm developed to predict the effect of missense changes on protein structure and function (PolyPhen-2) suggests that this variant is likely to be tolerated. In summary, the available evidence is currently insufficient to determine the role of this variant in disease. Therefore, it has been classified as a Variant of Uncertain Significance.